The following is an entry in ClinVar:

ClinVar aggregate classification (germline): Uncertain significance. Review status: criteria provided, multiple submitters, no conflicts (2 of 4 stars). 2 submissions from 2 submitters: Uncertain significance (2). Last evaluated 2024-10-29.

Submissions (2):

Labcorp Genetics (formerly Invitae), Labcorp
Classification: Uncertain significance. Last evaluated: 2024-10-29. Review status: criteria provided, single submitter. Criteria: Invitae Variant Classification Sherloc (09022015). Collection method: clinical testing. Allele origin: germline.
Comment: This sequence change replaces aspartic acid, which is acidic and polar, with glutamic acid, which is acidic and polar, at codon 56 of the ZNF513 protein (p.Asp56Glu). This variant is present in population databases (rs144091327, gnomAD 0.0009%). This variant has not been reported in the literature in individuals affected with ZNF513-related conditions. An algorithm developed to predict the effect of missense changes on protein structure and function (PolyPhen-2) suggests that this variant is likely to be disruptive. In summary, the available evidence is currently insufficient to determine the role of this variant in disease. Therefore, it has been classified as a Variant of Uncertain Significance.

Blueprint Genetics
Classification: Uncertain significance. Last evaluated: 2022-09-30. Review status: criteria provided, single submitter. Criteria: ACMG Guidelines, 2015. Collection method: clinical testing. Allele origin: germline.

NM_144631.6(ZNF513):c.168C>A (p.Asp56Glu)

Gene: ZNF513 (zinc finger protein 513; minus strand). Cytogenetic location: 2p23.3.
Variant type: single nucleotide variant.
Coding change: c.168C>A on transcript NM_144631.6 (MANE Select); coding-DNA position 168, C replaced by A.
Protein change: p.Asp56Glu; replaces aspartic acid 56 with glutamic acid.
Molecular consequence: missense variant. On other transcripts: 5 prime UTR variant (1).
Genome position (GRCh38, 1-based): chr2:27,380,136, G>T on the plus strand (C>A on the coding strand, the complement: ZNF513 is on the minus strand). VCF-style: chr2-27380136-G-T. GRCh37 (hg19) VCF-style: chr2-27603003-G-T.
Other names: c.-19C>A (NM_001201459.2); short protein forms D56E.
Identifiers: ClinVar variation 3611632 (VCV003611632.3).
Genomic context (GRCh38, chr2:27,380,136, plus strand): 5'-AAGACCCGAAAACCCACCTTCCGAGTCTCTCTCGAAGCCCATGAGCTGGTCACTGTTGCC[G>T]TCGCCTTCCTCCTCTTCCTCTTCCTCCTCAAACTCCAGATCCTGGCCTAGTAGCAAATCA-3'
Protein context (NP_653232.3, residues 46-66): FEEEEEEEEG[Asp56Glu]GNSDQLMGFE